The following is an entry in ClinVar:

ClinVar aggregate classification (germline): Uncertain significance. Review status: criteria provided, multiple submitters, no conflicts (2 of 4 stars). 2 submissions from 2 submitters: Uncertain significance (2). Last evaluated 2025-08-25.

Conditions:
Inborn genetic diseases. Identifiers: MedGen C0950123, MeSH D030342.

Allele frequency attached by ClinVar (database versions not stated): gnomAD exomes 0.00001 and 0.00003; ExAC 0.00007; TOPMed 0.00020; gnomAD 0.00021 and 0.00023.
gnomAD v4.1: 49 of 1,611,038 alleles (0.003%); highest among the groups gnomAD compares: African/African-American, 0.063%; no homozygotes.

Submissions (2):

Ambry Genetics
Classification: Uncertain significance for Inborn genetic diseases. Last evaluated: 2025-08-25. Review status: criteria provided, single submitter. Criteria: Ambry Variant Classification Scheme 2023. Collection method: clinical testing. Allele origin: germline.

Labcorp Genetics (formerly Invitae), Labcorp
Classification: Uncertain significance. Last evaluated: 2024-10-17. Review status: criteria provided, single submitter. Criteria: Invitae Variant Classification Sherloc (09022015). Collection method: clinical testing. Allele origin: germline.
Comment: This sequence change replaces glycine, which is neutral and non-polar, with valine, which is neutral and non-polar, at codon 56 of the SLC46A1 protein (p.Gly56Val). This variant is present in population databases (rs782596558, gnomAD 0.08%). This variant has not been reported in the literature in individuals affected with SLC46A1-related conditions. ClinVar contains an entry for this variant (Variation ID: 1444908). Invitae Evidence Modeling of protein sequence and biophysical properties (such as structural, functional, and spatial information, amino acid conservation, physicochemical variation, residue mobility, and thermodynamic stability) indicates that this missense variant is not expected to disrupt SLC46A1 protein function with a negative predictive value of 80%. In summary, the available evidence is currently insufficient to determine the role of this variant in disease. Therefore, it has been classified as a Variant of Uncertain Significance.

NM_080669.6(SLC46A1):c.167G>T (p.Gly56Val)

Gene: SLC46A1 (solute carrier family 46 member 1; minus strand). Cytogenetic location: 17q11.2.
Variant type: single nucleotide variant.
Coding change: c.167G>T on transcript NM_080669.6 (MANE Select); coding-DNA position 167, G replaced by T.
Protein change: p.Gly56Val; replaces glycine 56 with valine.
Molecular consequence: missense variant.
Genome position (GRCh38, 1-based): chr17:28,405,948, C>A on the plus strand (G>T on the coding strand, the complement: SLC46A1 is on the minus strand). VCF-style: chr17-28405948-C-A. GRCh37 (hg19) VCF-style: chr17-26732966-C-A.
Other names: c.167G>T, p.Gly56Val (NM_001242366.3); c.167G>T (NM_080669.4); short protein forms G56V.
Identifiers: ClinVar variation 1444908 (VCV001444908.5), dbSNP rs782596558, ClinGen allele CA8458389.